The following is an entry in ClinVar:

NM_000492.4(CFTR):c.3641A>G (p.Asp1214Gly)

Genes: CFTR-AS2 (CFTR antisense RNA 2; minus strand), CFTR (CF transmembrane conductance regulator; plus strand). Cytogenetic location: 7q31.2.
Variant type: single nucleotide variant.
Coding change: c.3641A>G on transcript NM_000492.4 (MANE Select); coding-DNA position 3641, A replaced by G.
Protein change: p.Asp1214Gly; replaces aspartic acid 1214 with glycine.
Molecular consequence: missense variant.
Genome position (GRCh38, 1-based): chr7:117,627,694, A>G. VCF-style: chr7-117627694-A-G. GRCh37 (hg19) VCF-style: chr7-117267748-A-G.
Other names: short protein forms D1214G.
Identifiers: ClinVar variation 2447426 (VCV002447426.2), dbSNP rs1792675407, ClinGen allele CA368997304.

ClinVar aggregate classification (germline): Uncertain significance (1 of 4 stars; one submission).

Conditions:
Cystic fibrosis (CF). Also called: MUCOVISCIDOSIS. Identifiers: Orphanet 586, MedGen C0010674, MONDO:0009061, OMIM 219700. Disease mechanism: loss of function.

Allele frequency attached by ClinVar (database versions not stated): gnomAD exomes below 0.00001.
gnomAD v4.1: 1 of 1,613,342 alleles (0.000062%); highest among the groups gnomAD compares: African/African-American, 0.0013%; no homozygotes.

Submission:

Ambry Genetics
Classification: Uncertain significance for Cystic fibrosis. Last evaluated: 2022-12-09. Review status: criteria provided, single submitter. Criteria: Ambry Variant Classification Scheme 2023. Collection method: clinical testing. Allele origin: germline.
Comment: The p.D1214G variant (also known as c.3641A>G), located in coding exon 22 of the CFTR gene, results from an A to G substitution at nucleotide position 3641. The aspartic acid at codon 1214 is replaced by glycine, an amino acid with similar properties. This amino acid position is conserved. In addition, the in silico prediction for this alteration is inconclusive. Since supporting evidence is limited at this time, the clinical significance of this alteration remains unclear.